The following is an entry in ClinVar:

ClinVar aggregate classification (germline): Uncertain significance (1 of 4 stars; one submission).

Allele frequency attached by ClinVar (database versions not stated): gnomAD 0.00001; gnomAD exomes 0.00001; ExAC 0.00002; TOPMed 0.00002.
gnomAD v4.1: 10 of 1,568,952 alleles (0.00064%); highest among the groups gnomAD compares: South Asian, 0.0024%; no homozygotes.

Submission:

Labcorp Genetics (formerly Invitae), Labcorp
Classification: Uncertain significance. Last evaluated: 2021-08-26. Review status: criteria provided, single submitter. Criteria: Invitae Variant Classification Sherloc (09022015). Collection method: clinical testing. Allele origin: germline.
Comment: This sequence change replaces arginine with cysteine at codon 182 of the SGPL1 protein (p.Arg182Cys). The arginine residue is highly conserved and there is a large physicochemical difference between arginine and cysteine. This variant is present in population databases (rs772949427, ExAC 0.003%). This variant has not been reported in the literature in individuals affected with SGPL1-related conditions. Algorithms developed to predict the effect of missense changes on protein structure and function are either unavailable or do not agree on the potential impact of this missense change (SIFT: "Tolerated"; PolyPhen-2: "Probably Damaging"; Align-GVGD: "Class C0"). In summary, the available evidence is currently insufficient to determine the role of this variant in disease. Therefore, it has been classified as a Variant of Uncertain Significance.

NM_003901.4(SGPL1):c.544C>T (p.Arg182Cys)

Gene: SGPL1 (sphingosine-1-phosphate lyase 1; plus strand). Cytogenetic location: 10q22.1.
Variant type: single nucleotide variant.
Coding change: c.544C>T on transcript NM_003901.4 (MANE Select); coding-DNA position 544, C replaced by T.
Protein change: p.Arg182Cys; replaces arginine 182 with cysteine.
Molecular consequence: missense variant.
Genome position (GRCh38, 1-based): chr10:70,859,428, C>T. VCF-style: chr10-70859428-C-T. GRCh37 (hg19) VCF-style: chr10-72619185-C-T.
Other names: short protein forms R182C.
Identifiers: ClinVar variation 1495622 (VCV001495622.5), dbSNP rs772949427, ClinGen allele CA5541215.